The following is an entry in ClinVar:

NM_001371928.1(AHDC1):c.3664A>T (p.Ser1222Cys)

Gene: AHDC1 (AT-hook DNA binding motif containing 1; minus strand). Cytogenetic location: 1p36.11.
Variant type: single nucleotide variant.
Coding change: c.3664A>T on transcript NM_001371928.1 (MANE Select); coding-DNA position 3664, A replaced by T.
Protein change: p.Ser1222Cys; replaces serine 1222 with cysteine.
Molecular consequence: missense variant.
Genome position (GRCh38, 1-based): chr1:27,548,452, T>A on the plus strand (A>T on the coding strand, the complement: AHDC1 is on the minus strand). VCF-style: chr1-27548452-T-A. GRCh37 (hg19) VCF-style: chr1-27874963-T-A.
Other names: c.3664A>T, p.Ser1222Cys (NM_001029882.3); c.-380A>T (NM_015699.1); short protein forms S1222C.
Identifiers: ClinVar variation 2638567 (VCV002638567.24), dbSNP rs1228576055, ClinGen allele CA339225549.

ClinVar aggregate classification (germline): Uncertain significance (1 of 4 stars; one submission).

Allele frequency attached by ClinVar (database versions not stated): gnomAD 0.00001; TOPMed 0.00001.
gnomAD v4.1: 16 of 1,613,724 alleles (0.00099%); highest among the groups gnomAD compares: Non-Finnish European, 0.0011%; no homozygotes.

Submission:

CeGaT Center for Human Genetics Tuebingen
Classification: Uncertain significance. Last evaluated: 2022-08-01. Review status: criteria provided, single submitter. Criteria: CeGaT Center For Human Genetics Tuebingen Variant Classification Criteria Version 2. Collection method: clinical testing. Allele origin: germline. Affected: yes. Observed: 1 variant allele.
Comment: AHDC1: PM2